The following is an entry in ClinVar:

ClinVar aggregate classification (germline): Pathogenic/Likely pathogenic. Review status: criteria provided, multiple submitters, no conflicts (2 of 4 stars). 7 submissions from 7 submitters: Pathogenic (3); Likely pathogenic (3). 1 of the submissions does not count toward it. Last evaluated 2025-12-09.

Conditions:
Alstrom syndrome (ALMS). Identifiers: Orphanet 64, MedGen C0268425, MONDO:0008763, OMIM 203800.
Cardiovascular phenotype. Identifiers: MedGen CN230736.

Submissions (7):

Natera, Inc.
Classification: Pathogenic for Alstrom syndrome. Last evaluated: 2025-12-09. Review status: criteria provided, single submitter. Criteria: Natera Variant Classification Schema (03/2026). Collection method: clinical testing. Allele origin: germline.
Comment: The c.11717_11720delTTGG variant in ALMS1 is a frameshift variant predicted to shift the reading frame beginning at codon 3906 and leads to a stop codon 2 codons downstream. This variant is expected to result in nonsense mediated decay, truncation, or a dysfunctional protein product. This variant is rare in the general population with a frequency below the threshold expected for the associated phenotype(s). This variant has been observed in one or more individuals affected with the associated recessive disease, as either homozygous or compound heterozygous with a second variant (PMID: 33363936). Additionally, this variant has been observed to segregate in affected family members (PMID: 33363936). Given the available evidence, this variant is classified as Pathogenic.

GeneDx
Classification: Likely pathogenic. Last evaluated: 2025-11-24. Review status: criteria provided, single submitter. Criteria: GeneDx Variant Classification Process June 2021. Collection method: clinical testing. Allele origin: germline.
Comment: Reported as c.11711_11714del (due to alternate nomenclature) in an individual with Alstrom syndrome who harbored a p.(S2048*) variant in trans (PMID: 33363936); Observed in an individual with Alstrom syndrome who also carried a c.5024del variant in the ALMS1 gene (Gardos G and Cole JO. (1976) Am J Psychiatry. 133 (1):32-6); Not observed at significant frequency in large population cohorts (gnomAD); Frameshift variant predicted to result in protein truncation or nonsense mediated decay in a gene for which loss of function is a known mechanism of disease; This variant is associated with the following publications: (PMID: 36550190, 33363936, Jalca2021[article])

Labcorp Genetics (formerly Invitae), Labcorp
Classification: Pathogenic for Alstrom syndrome. Last evaluated: 2025-11-12. Review status: criteria provided, single submitter. Criteria: Invitae Variant Classification Sherloc (09022015). Collection method: clinical testing. Allele origin: germline.
Comment: This sequence change creates a premature translational stop signal (p.Val3906Glyfs*2) in the ALMS1 gene. It is expected to result in an absent or disrupted protein product. Loss-of-function variants in ALMS1 are known to be pathogenic (PMID: 17594715). This variant is present in population databases (no rsID available, gnomAD 0.0009%). This variant has not been reported in the literature in individuals affected with ALMS1-related conditions. ClinVar contains an entry for this variant (Variation ID: 557476). For these reasons, this variant has been classified as Pathogenic.

Fulgent Genetics
Classification: Likely pathogenic for Alstrom syndrome. Last evaluated: 2021-10-20. Review status: criteria provided, single submitter. Criteria: ACMG Guidelines, 2015. Collection method: clinical testing. Allele origin: unknown.

Genome-Nilou Lab
Classification: Likely pathogenic for Alstrom syndrome. Last evaluated: 2021-07-22. Review status: criteria provided, single submitter. Criteria: ACMG Guidelines, 2015. Collection method: clinical testing. Allele origin: germline. Affected: no.

Ambry Genetics
Classification: Pathogenic for Cardiovascular phenotype. Last evaluated: 2020-12-28. Review status: criteria provided, single submitter. Criteria: Ambry Variant Classification Scheme 2023. Collection method: clinical testing. Allele origin: germline.
Comment: The c.11717_11720delTTGG (p.V3906Gfs*2) alteration, located in coding exon 18 of the ALMS1 gene, consists of a deletion of 4 nucleotides from position 11717 to 11720, causing a translational frameshift with a predicted alternate stop codon after 2 amino acids. This alteration is expected to result in loss of function by premature protein truncation or nonsense-mediated mRNA decay. Based on the available evidence, this alteration is classified as pathogenic.

Counsyl
Classification: Likely pathogenic for Alstrom syndrome. Last evaluated: 2018-03-27. Review status: no assertion criteria provided. Collection method: clinical testing. Allele origin: unknown. Not counted in ClinVar's aggregate classification.

Literature cited by the submitters: PubMed 33363936 (cited by Natera, Inc.); PubMed 17594715 (cited by Labcorp Genetics (formerly Invitae), Labcorp).

NM_001378454.1(ALMS1):c.11714_11717del (p.Val3905fs)

Gene: ALMS1 (ALMS1 centrosome and basal body associated protein; plus strand). Cytogenetic location: 2p13.1.
Variant type: Deletion.
Coding change: c.11714_11717del on transcript NM_001378454.1 (MANE Select); coding-DNA positions 11714 to 11717, 4 bases deleted (TTGG; older notation c.11714_11717delTTGG).
Protein change: p.Val3905fs; shifts the reading frame from valine 3905.
Molecular consequence: frameshift variant.
Genome position (GRCh38, 1-based): chr2:73,600,723-73,600,726, TTGG deleted; deleting any 4 consecutive bases within chr2:73,600,722-73,600,726 gives the same sequence; the c. name uses the placement nearest the transcript's 3' end. VCF-style (leftmost placement, unchanged base first): chr2-73600721-TGTTG-T. GRCh37 (hg19) VCF-style: chr2-73827848-TGTTG-T.
Other names: c.11717_11720delTTGG (NM_015120.4); c.11717_11720del, p.Val3906fs (NM_015120.4); short protein forms V3906fs, V3905fs.
Identifiers: ClinVar variation 557476 (VCV000557476.17), dbSNP rs932538480, ClinGen allele CA50336837.